The following is an entry in ClinVar:

NM_015259.6(ICOSLG):c.898+155C>T

Gene: ICOSLG (inducible T cell costimulator ligand; minus strand). Cytogenetic location: 21q22.3.
Variant type: single nucleotide variant.
Coding change: c.898+155C>T on transcript NM_015259.6 (MANE Select); 155 bases into the intron after coding-DNA position 898, C replaced by T.
Molecular consequence: intron variant.
Genome position (GRCh38, 1-based): chr21:44,229,899, G>A on the plus strand (C>T on the coding strand, the complement: ICOSLG is on the minus strand). VCF-style: chr21-44229899-G-A. GRCh37 (hg19) VCF-style: chr21-45649782-G-A.
Other names: c.547+155C>T (NM_001283051.2); c.643+155C>T (NM_001283052.2); c.898+155C>T (NM_001283050.2, NM_001395918.1); c.817+155C>T (NM_001365759.2).
Identifiers: ClinVar variation 2652739 (VCV002652739.24), dbSNP rs570037928, ClinGen allele CA321495269.

ClinVar aggregate classification (germline): Likely benign (1 of 4 stars; one submission).

Allele frequency attached by ClinVar (database versions not stated): TOPMed 0.00003; gnomAD exomes 0.00005.

Submission:

CeGaT Center for Human Genetics Tuebingen
Classification: Likely benign. Last evaluated: 2022-11-01. Review status: criteria provided, single submitter. Criteria: CeGaT Center For Human Genetics Tuebingen Variant Classification Criteria Version 2. Collection method: clinical testing. Allele origin: germline. Affected: yes. Observed: 1 variant allele.
Comment: ICOSLG: BP4, BP7